The following is an entry in ClinVar:

ClinVar aggregate classification (germline): Uncertain significance (1 of 4 stars; one submission).

Submission:

Laboratorio de Genetica e Diagnostico Molecular, Hospital Israelita Albert Einstein
Classification: Uncertain significance. Last evaluated: 2021-10-06. Review status: criteria provided, single submitter. Criteria: ACMG Guidelines, 2015. Collection method: clinical testing. Allele origin: germline. Affected: yes.
Comment: ACMG classification criteria: PM2

NM_006180.6(NTRK2):c.583+9T>G

Gene: NTRK2 (neurotrophic receptor tyrosine kinase 2; plus strand). Cytogenetic location: 9q21.33.
Variant type: single nucleotide variant.
Coding change: c.583+9T>G on transcript NM_006180.6 (MANE Select); 9 bases into the intron after coding-DNA position 583, T replaced by G.
Molecular consequence: intron variant.
Genome position (GRCh38, 1-based): chr9:84,710,800, T>G. VCF-style: chr9-84710800-T-G. GRCh37 (hg19) VCF-style: chr9-87325715-T-G.
Other names: c.583+9T>G (NM_001369532.1, NM_001369533.1, NM_001018066.3 and 18 more transcripts); c.115+9T>G (NM_001369536.1, NM_001369535.1, NM_001369550.1 and 2 more transcripts).
Identifiers: ClinVar variation 1690454 (VCV001690454.2), dbSNP rs771612427, ClinGen allele CA2573144694.